The following is an entry in ClinVar:

ClinVar aggregate classification (germline): Uncertain significance (1 of 4 stars; one submission).

Allele frequency attached by ClinVar (database versions not stated): gnomAD 0.00001; TOPMed 0.00001.
gnomAD v4.1: 1 of 1,542,254 alleles (0.000065%); highest among the groups gnomAD compares: African/African-American, 0.0014%; no homozygotes.

Submission:

Labcorp Genetics (formerly Invitae), Labcorp
Classification: Uncertain significance. Last evaluated: 2022-03-02. Review status: criteria provided, single submitter. Criteria: Invitae Variant Classification Sherloc (09022015). Collection method: clinical testing. Allele origin: germline.
Comment: This sequence change replaces isoleucine, which is neutral and non-polar, with phenylalanine, which is neutral and non-polar, at codon 194 of the LRIT3 protein (p.Ile194Phe). This variant is not present in population databases (gnomAD no frequency). This variant has not been reported in the literature in individuals affected with LRIT3-related conditions. Algorithms developed to predict the effect of missense changes on protein structure and function are either unavailable or do not agree on the potential impact of this missense change (SIFT: "Deleterious"; PolyPhen-2: "Benign"; Align-GVGD: "Class C0"). Algorithms developed to predict the effect of sequence changes on RNA splicing suggest that this variant may create or strengthen a splice site. In summary, the available evidence is currently insufficient to determine the role of this variant in disease. Therefore, it has been classified as a Variant of Uncertain Significance.

NM_198506.5(LRIT3):c.580A>T (p.Ile194Phe)

Gene: LRIT3 (leucine rich repeat, Ig-like and transmembrane domains 3; plus strand). Cytogenetic location: 4q25.
Variant type: single nucleotide variant.
Coding change: c.580A>T on transcript NM_198506.5 (MANE Select); coding-DNA position 580, A replaced by T.
Protein change: p.Ile194Phe; replaces isoleucine 194 with phenylalanine.
Molecular consequence: missense variant.
Genome position (GRCh38, 1-based): chr4:109,851,967, A>T. VCF-style: chr4-109851967-A-T. GRCh37 (hg19) VCF-style: chr4-110773123-A-T.
Other names: short protein forms I194F.
Identifiers: ClinVar variation 1381887 (VCV001381887.3), dbSNP rs971626293, ClinGen allele CA103732236.